The following is an entry in ClinVar:

ClinVar aggregate classification (germline): Uncertain significance (1 of 4 stars; one submission).

Conditions:
Seizures, benign familial infantile, 5 (BFIS5). Also called: CONVULSIONS, BENIGN FAMILIAL INFANTILE, 5. Identifiers: Orphanet 306, MedGen C4310728, MONDO:0014903, OMIM 617080.
Cognitive impairment with or without cerebellar ataxia (CIAT). Identifiers: MedGen C3280415, MONDO:0013680, OMIM 614306.
Developmental and epileptic encephalopathy, 13 (DEE13). Also called: Early infantile epileptic encephalopathy 13; SCN8A-Related Epilepsy; Developmental and Epileptic Encephalopathy (SCN8A-DEE). Identifiers: Orphanet 442835, MedGen C3281191, MONDO:0013801, OMIM 614558.
Myoclonus, familial, 2. Identifiers: MedGen C5193056, MONDO:0100092, OMIM 618364.

Submission:

Juno Genomics, Hangzhou Juno Genomics, Inc
Classification: Uncertain significance for Myoclonus, familial, 2; Cognitive impairment with or without cerebellar ataxia; Developmental and epileptic encephalopathy, 13; Seizures, benign familial infantile, 5. Review status: criteria provided, single submitter. Criteria: ACMG Guidelines, 2015. Collection method: clinical testing. Allele origin: germline.
Comment: Absent from controls (or at extremely low frequency if recessive) in Genome Aggregation Database.

NM_001330260.2(SCN8A):c.3556A>G (p.Ile1186Val)

Gene: SCN8A (sodium voltage-gated channel alpha subunit 8; plus strand). Cytogenetic location: 12q13.13.
Variant type: single nucleotide variant.
Coding change: c.3556A>G on transcript NM_001330260.2 (MANE Select); coding-DNA position 3556, A replaced by G.
Protein change: p.Ile1186Val; replaces isoleucine 1186 with valine.
Molecular consequence: missense variant.
Genome position (GRCh38, 1-based): chr12:51,770,594, A>G. VCF-style: chr12-51770594-A-G. GRCh37 (hg19) VCF-style: chr12-52164378-A-G.
Other names: c.3556A>G, p.Ile1186Val (NM_001177984.3, NM_001369788.1, NM_014191.4); short protein forms I1186V.
Identifiers: ClinVar variation 5019019 (VCV005019019.2).
Genomic context (GRCh38, chr12:51,770,594, plus strand): 5'-GTCCAGCGGTTCAAGTGCTGCCAGGTCAACATCGAGGAAGGGCTAGGCAAGTCTTGGTGG[A>G]TCCTGCGGAAAACCTGCTTCCTCATCGTGGAGCACAACTGGTTTGAGACCTTCATCATCT-3'
Protein context (NP_001317189.1, residues 1176-1196): IEEGLGKSWW[Ile1186Val]LRKTCFLIVE